The following is an entry in ClinVar:

NM_024009.3(GJB3):c.131G>A (p.Trp44Ter)

Gene: GJB3 (gap junction protein beta 3; plus strand). Cytogenetic location: 1p34.3.
Variant type: single nucleotide variant.
Coding change: c.131G>A on transcript NM_024009.3 (MANE Select); coding-DNA position 131, G replaced by A.
Protein change: p.Trp44Ter; replaces tryptophan 44 with a stop codon.
Molecular consequence: nonsense.
Genome position (GRCh38, 1-based): chr1:34,784,893, G>A. VCF-style: chr1-34784893-G-A. GRCh37 (hg19) VCF-style: chr1-35250494-G-A.
Other names: c.131G>A, p.Trp44Ter (NM_001005752.2); short protein forms W44*.
Identifiers: ClinVar variation 4083205 (VCV004083205.2).
Genomic context (GRCh38, chr1:34,784,893, plus strand): 5'-GGCTGTCCGTGGTGTTCGTCTTCCGGGTGCTGGTATACGTGGTGGCTGCAGAGCGCGTGT[G>A]GGGGGATGAGCAGAAGGACTTTGACTGCAACACCAAGCAGCCCGGCTGCACCAACGTCTG-3'

ClinVar aggregate classification (germline): Uncertain significance. Review status: criteria provided, multiple submitters, no conflicts (2 of 4 stars). 2 submissions from 2 submitters: Uncertain significance (2). Last evaluated 2025-03-13.

Submissions (2):

GeneDx
Classification: Uncertain significance. Last evaluated: 2025-03-13. Review status: criteria provided, single submitter. Criteria: GeneDx Variant Classification Process June 2021. Collection method: clinical testing. Allele origin: germline. Affected: yes.
Comment: Nonsense variant predicted to result in protein truncation as the last 227 amino acids are lost; Has not been previously published as pathogenic or benign to our knowledge

Blueprint Genetics
Classification: Uncertain significance. Last evaluated: 2024-01-24. Review status: criteria provided, single submitter. Criteria: ACMG Guidelines, 2015. Collection method: clinical testing. Allele origin: germline.